The following is an entry in ClinVar:

NM_006005.3(WFS1):c.527T>C (p.Val176Ala)

Gene: WFS1 (wolframin ER transmembrane glycoprotein; plus strand). Cytogenetic location: 4p16.1.
Variant type: single nucleotide variant.
Coding change: c.527T>C on transcript NM_006005.3 (MANE Select); coding-DNA position 527, T replaced by C.
Protein change: p.Val176Ala; replaces valine 176 with alanine.
Molecular consequence: missense variant.
Genome position (GRCh38, 1-based): chr4:6,291,263, T>C. VCF-style: chr4-6291263-T-C. GRCh37 (hg19) VCF-style: chr4-6292990-T-C.
Other names: c.527T>C, p.Val176Ala (NM_001145853.1); short protein forms V176A.
Identifiers: ClinVar variation 1327312 (VCV001327312.5), dbSNP rs772915458, ClinGen allele CA2838929.

ClinVar aggregate classification (germline): Uncertain significance. Review status: criteria provided, multiple submitters, no conflicts (2 of 4 stars). 3 submissions from 3 submitters: Uncertain significance (3). Last evaluated 2026-01-02.

Conditions:
Autosomal dominant nonsyndromic hearing loss 6 (LFSNHL). Also called: Autosomal dominant nonsyndromic deafness 6; DEAFNESS, AUTOSOMAL DOMINANT 6; DEAFNESS, AUTOSOMAL DOMINANT 14; DEAFNESS, AUTOSOMAL DOMINANT 38. Identifiers: Orphanet 90635, MedGen C1833021, MONDO:0010963, OMIM 600965.
Type 2 diabetes mellitus. Also called: Type II diabetes mellitus. Identifiers: MedGen C0011860, MeSH D003924, MONDO:0005148, OMIM 125853, HP:0005978.
Wolfram-like syndrome. Also called: HEARING LOSS, PROGRESSIVE, WITH OPTIC ATROPHY AND/OR IMPAIRED GLUCOSE REGULATION. Identifiers: Orphanet 411590, MedGen C3280358, MONDO:0013673, OMIM 614296.
Cataract 41 (CTRCT41). Also called: CATARACT 41, CONGENITAL NUCLEAR TYPE. Identifiers: Orphanet 91492, Orphanet 98991, Orphanet 98992, Orphanet 98995, MedGen C3805412, MONDO:0007287, OMIM 116400.
Wolfram syndrome 1 (WFS1). Identifiers: Orphanet 3463, MedGen C4551693, MONDO:0009101, OMIM 222300.

Allele frequency attached by ClinVar (database versions not stated): ExAC 0.00001; gnomAD exomes 0.00001.
gnomAD v4.1: 17 of 1,612,370 alleles (0.0011%); highest among the groups gnomAD compares: Non-Finnish European, 0.0014%; no homozygotes.

Submissions (3):

Labcorp Genetics (formerly Invitae), Labcorp
Classification: Uncertain significance. Last evaluated: 2026-01-02. Review status: criteria provided, single submitter. Criteria: Invitae Variant Classification Sherloc (09022015). Collection method: clinical testing. Allele origin: germline.
Comment: This sequence change replaces valine, which is neutral and non-polar, with alanine, which is neutral and non-polar, at codon 176 of the WFS1 protein (p.Val176Ala). This variant is present in population databases (rs772915458, gnomAD 0.003%). This missense change has been observed in individual(s) with CAKUT syndrome (PMID: 35368817). ClinVar contains an entry for this variant (Variation ID: 1327312). Invitae Evidence Modeling of protein sequence and biophysical properties (such as structural, functional, and spatial information, amino acid conservation, physicochemical variation, residue mobility, and thermodynamic stability) indicates that this missense variant is not expected to disrupt WFS1 protein function with a negative predictive value of 80%. In summary, the available evidence is currently insufficient to determine the role of this variant in disease. Therefore, it has been classified as a Variant of Uncertain Significance.

Fulgent Genetics
Classification: Uncertain significance for Cataract 41; Type 2 diabetes mellitus; Wolfram syndrome 1; Autosomal dominant nonsyndromic hearing loss 6; Wolfram-like syndrome. Last evaluated: 2021-12-10. Review status: criteria provided, single submitter. Criteria: ACMG Guidelines, 2015. Collection method: clinical testing. Allele origin: unknown.

GeneDx
Classification: Uncertain significance. Last evaluated: 2021-06-04. Review status: criteria provided, single submitter. Criteria: GeneDx Variant Classification Process June 2021. Collection method: clinical testing. Allele origin: germline. Affected: yes.
Comment: Not observed at significant frequency in large population cohorts (Lek et al., 2016); In silico analysis supports that this missense variant does not alter protein structure/function; Observed in an individual with congenital anomalies of the kidney and urinary tract (CAKUT) in published literature (Bekheirnia et al., 2021) who had a different genetic etiology for the phenotype; Has not been previously published as pathogenic or benign in association with a WFS1-related disorder to our knowledge; This variant is associated with the following publications: (PMID: 27535533, Bekheirnia2020)

Literature cited by the submitters: PubMed 35368817 (cited by Labcorp Genetics (formerly Invitae), Labcorp).